The following is an entry in ClinVar:

ClinVar aggregate classification (germline): Likely pathogenic. Review status: criteria provided, multiple submitters, no conflicts (2 of 4 stars). 2 submissions from 2 submitters: Likely pathogenic (2). Last evaluated 2026-01-27.

Conditions:
Alport syndrome. Also called: Hemorrhagic familial nephritis; Hemorrhagic hereditary nephritis; Congenital hereditary hematuria. Identifiers: Orphanet 63, MedGen C1567741, MONDO:0018965.
Autosomal recessive Alport syndrome (ATS2). Also called: COL4A4 Alport Syndrome and Thin Basement Membrane Nephropathy; ALPORT SYNDROME 2, AUTOSOMAL RECESSIVE; COL4A3-Related Nephropathy; Alport syndrome type 2. Identifiers: Orphanet 63, Orphanet 88919, MedGen C4746745, MONDO:0008762, OMIM 203780.

Submissions (2):

Victorian Clinical Genetics Services, Murdoch Childrens Research Institute
Classification: Likely pathogenic for Alport syndrome. Last evaluated: 2026-01-27. Review status: criteria provided, single submitter. Criteria: ACMG Guidelines, 2015. Collection method: clinical testing. Allele origin: germline. Affected: yes.
Comment: This variant is classified as Likely pathogenic. Evidence in support of pathogenic classification: Variant is absent from gnomAD (v2, v3 and v4); This variant has limited previous evidence of pathogenicity in an unrelated individual. This variant has been classified as likely pathogenic by a clinical laboratory in ClinVar; Another missense variant comparable to the one identified in this case has limited previous evidence for pathogenicity. p.(Gly227Arg) has been observed as compound heterozygous in an individual with Alport syndrome (PMID: 33772369); Variant is located in the well-established functional Gly-X-Y motif, and affects a glycine residue (DECIPHER). However, this variant is near a break in the repeat sequence; Missense variant consistently predicted to be damaging by multiple in silico tools or highly conserved with a major amino acid change. Additional information: Variant is predicted to result in a missense amino acid change from glycine to glutamic acid; This variant is heterozygous; This gene is associated with both recessive and dominant Alport syndrome (MONDO:0018965), COL4A3-related; No published segregation evidence has been identified for this variant; No published functional evidence has been identified for this variant; Loss of function is a known mechanism of disease for this gene and is associated with Alport syndrome (MONDO:0018965), COL4A3-related. Dominant negative is a suspected mechanism of disease for glycine changes that are part of a G-X-Y repeat in the triple helix of a collagen domain (PMIDs: 12028435, 24046192, 38214412); Inheritance information for this variant is not currently available in this individual.

MVZ Martinsried, Medicover Genetics
Classification: Likely pathogenic for Autosomal recessive Alport syndrome. Last evaluated: 2019-08-20. Review status: criteria provided, single submitter. Criteria: ACMG Guidelines, 2015. Collection method: clinical testing. Allele origin: unknown. Affected: yes.

Literature cited by the submitters: PubMed 24046192 (cited by Victorian Clinical Genetics Services, Murdoch Childrens Research Institute); PubMed 38214412 (cited by Victorian Clinical Genetics Services, Murdoch Childrens Research Institute); PubMed 12028435 (cited by Victorian Clinical Genetics Services, Murdoch Childrens Research Institute); PubMed 33772369 (cited by Victorian Clinical Genetics Services, Murdoch Childrens Research Institute).

NM_000091.5(COL4A3):c.680G>A (p.Gly227Glu)

Genes: MFF-DT (MFF divergent transcript; minus strand), COL4A3 (collagen type IV alpha 3 chain; plus strand). Cytogenetic location: 2q36.3.
Variant type: single nucleotide variant.
Coding change: c.680G>A on transcript NM_000091.5 (MANE Select); coding-DNA position 680, G replaced by A.
Protein change: p.Gly227Glu; replaces glycine 227 with glutamic acid.
Molecular consequence: missense variant.
Genome position (GRCh38, 1-based): chr2:227,253,330, G>A. VCF-style: chr2-227253330-G-A. GRCh37 (hg19) VCF-style: chr2-228118046-G-A.
Other names: short protein forms G227E.
Identifiers: ClinVar variation 812152 (VCV000812152.3), dbSNP rs1574698507, ClinGen allele CA350864849.